The following is an entry in ClinVar:

ClinVar aggregate classification (germline): Uncertain significance (1 of 4 stars; one submission).

Allele frequency attached by ClinVar (database versions not stated): gnomAD exomes below 0.00001.
gnomAD v4.1: 3 of 1,614,248 alleles (0.00019%); highest among the groups gnomAD compares: Non-Finnish European, 0.00025%; no homozygotes.

Submission:

Labcorp Genetics (formerly Invitae), Labcorp
Classification: Uncertain significance. Last evaluated: 2023-08-22. Review status: criteria provided, single submitter. Criteria: Invitae Variant Classification Sherloc (09022015). Collection method: clinical testing. Allele origin: germline.
Comment: This sequence change replaces lysine, which is basic and polar, with arginine, which is basic and polar, at codon 210 of the CYP7A1 protein (p.Lys210Arg). This variant is not present in population databases (gnomAD no frequency). This variant has not been reported in the literature in individuals affected with CYP7A1-related conditions. Advanced modeling of protein sequence and biophysical properties (such as structural, functional, and spatial information, amino acid conservation, physicochemical variation, residue mobility, and thermodynamic stability) performed at Invitae indicates that this missense variant is not expected to disrupt CYP7A1 protein function. In summary, the available evidence is currently insufficient to determine the role of this variant in disease. Therefore, it has been classified as a Variant of Uncertain Significance.

NM_000780.4(CYP7A1):c.629A>G (p.Lys210Arg)

Gene: CYP7A1 (cytochrome P450 family 7 subfamily A member 1; minus strand). Cytogenetic location: 8q12.1.
Variant type: single nucleotide variant.
Coding change: c.629A>G on transcript NM_000780.4 (MANE Select); coding-DNA position 629, A replaced by G.
Protein change: p.Lys210Arg; replaces lysine 210 with arginine.
Molecular consequence: missense variant.
Genome position (GRCh38, 1-based): chr8:58,496,883, T>C on the plus strand (A>G on the coding strand, the complement: CYP7A1 is on the minus strand). VCF-style: chr8-58496883-T-C. GRCh37 (hg19) VCF-style: chr8-59409442-T-C.
Other names: short protein forms K210R.
Identifiers: ClinVar variation 2842474 (VCV002842474.3), dbSNP rs2487038919, ClinGen allele CA371293744.
Genomic context (GRCh38, chr8:58,496,883, plus strand): 5'-GTCCTGAACATGTGAATGGGGAGGCCTGCTACCAGGGCTGGAAAGACTTTGTCGAATTGC[T>C]TGAAGTTGTCAAGATTGTTTAGAATATGTGCTTTCTGTGTGTCCCGCCTTGTAAGATCTC-3'
Protein context (NP_000771.2, residues 200-220): AHILNNLDNF[Lys210Arg]QFDKVFPALV